The following is an entry in ClinVar:

NM_000179.3(MSH6):c.3800T>A (p.Met1267Lys)

Gene: MSH6 (mutS homolog 6; plus strand). Cytogenetic location: 2p16.3.
Variant type: single nucleotide variant.
Coding change: c.3800T>A on transcript NM_000179.3 (MANE Select); coding-DNA position 3800, T replaced by A.
Protein change: p.Met1267Lys; replaces methionine 1267 with lysine.
Molecular consequence: missense variant. On other transcripts: non-coding transcript variant (5).
Genome position (GRCh38, 1-based): chr2:47,806,357, T>A. VCF-style: chr2-47806357-T-A. GRCh37 (hg19) VCF-style: chr2-48033496-T-A.
Other names: c.3503T>A, p.Met1168Lys (NM_001406820.1, NM_001406821.1, NM_001406822.1 and 10 more transcripts); c.2894T>A, p.Met965Lys (NM_001406823.1, NM_001406829.1, NM_001281493.2 and 6 more transcripts); c.3632T>A, p.Met1211Lys (NM_001406826.1); c.581T>A, p.Met194Lys (NM_001406831.1); c.647T>A, p.Met216Lys (NM_001406832.1); c.1745T>A, p.Met582Lys (NM_001407362.1); c.3410T>A, p.Met1137Lys (NM_001281492.2); c.3896T>A, p.Met1299Lys (NM_001406795.1, NM_001406802.1); and 7 more; short protein forms M1241K, M1299K, M582K, M745K, M1168K, M1209K, M1211K, M1267K.
Identifiers: ClinVar variation 4658292 (VCV004658292.1).

ClinVar aggregate classification (germline): Uncertain significance (1 of 4 stars; one submission).

Conditions:
Hereditary cancer-predisposing syndrome. Also called: Neoplastic Syndromes, Hereditary; Tumor predisposition; Hereditary Cancer Syndrome; Hereditary neoplastic syndrome. Identifiers: Orphanet 140162, MedGen C0027672, MeSH D009386, MONDO:0015356.

Submission:

Ambry Genetics
Classification: Uncertain significance for Hereditary cancer-predisposing syndrome. Last evaluated: 2025-11-29. Review status: criteria provided, single submitter. Criteria: Ambry Variant Classification Scheme 2023. Collection method: clinical testing. Allele origin: germline.
Comment: The p.M1267K variant (also known as c.3800T>A), located in coding exon 8 of the MSH6 gene, results from a T to A substitution at nucleotide position 3800. The methionine at codon 1267 is replaced by lysine, an amino acid with similar properties. This amino acid position is conserved. In addition, this alteration is predicted to be deleterious by in silico analysis. Based on the available evidence, the clinical significance of this variant remains unclear.